The following is an entry in ClinVar:

ClinVar aggregate classification (germline): Conflicting classifications of pathogenicity. Review status: criteria provided, conflicting classifications (1 of 4 stars). 4 submissions from 4 submitters: Likely pathogenic (2); Uncertain significance (2). Last evaluated 2025-12-15.

Conditions:
FAS-related disorder. Also called: FAS-related condition.
Autoimmune lymphoproliferative syndrome type 1. Also called: AUTOIMMUNE LYMPHOPROLIFERATIVE SYNDROME, TYPE I, AUTOSOMAL DOMINANT. Identifiers: Orphanet 3261, MedGen C2717884, MONDO:0011158, OMIM 601859.

Allele frequency attached by ClinVar (database versions not stated): gnomAD exomes below 0.00001.
gnomAD v4.1: 1 of 1,613,990 alleles (0.000062%); highest among the groups gnomAD compares: Non-Finnish European, 0.000085%; no homozygotes.

Submissions (4):

Women's Health and Genetics/Laboratory Corporation of America, LabCorp
Classification: Uncertain significance. Last evaluated: 2025-12-15. Review status: criteria provided, single submitter. Criteria: LabCorp Variant Classification Summary - May 2015. Collection method: clinical testing. Allele origin: germline.
Comment: Variant summary: FAS c.833T>A (p.Leu278His) results in a non-conservative amino acid change in the encoded protein sequence. Algorithms developed to predict the effect of missense changes on protein structure and function all suggest that this variant is likely to be disruptive. The variant was absent in 251302 control chromosomes. The available data on variant occurrences in the general population are insufficient to allow any conclusion about variant significance. c.833T>A has been observed in at least one individual affected with Autoimmune Lymphoproliferative Syndrome, Type 1a (internal data). These data do not allow any conclusion about variant significance. To our knowledge, no experimental evidence demonstrating an impact on protein function has been reported. ClinVar contains an entry for this variant (Variation ID: 2760464). Based on the evidence outlined above, the variant was classified as uncertain significance.

CeGaT Center for Human Genetics Tuebingen
Classification: Uncertain significance. Last evaluated: 2025-08-01. Review status: criteria provided, single submitter. Criteria: CeGaT Center For Human Genetics Tuebingen Variant Classification Criteria Version 2. Collection method: clinical testing. Allele origin: germline. Affected: yes. Observed: 1 variant allele.
Comment: FAS: PM1, PM2, PS4:Supporting

Labcorp Genetics (formerly Invitae), Labcorp
Classification: Likely pathogenic for Autoimmune lymphoproliferative syndrome. Last evaluated: 2023-09-12. Review status: criteria provided, single submitter. Criteria: Invitae Variant Classification Sherloc (09022015). Collection method: clinical testing. Allele origin: germline.
Comment: In summary, the currently available evidence indicates that the variant is pathogenic, but additional data are needed to prove that conclusively. Therefore, this variant has been classified as Likely Pathogenic. Advanced modeling of protein sequence and biophysical properties (such as structural, functional, and spatial information, amino acid conservation, physicochemical variation, residue mobility, and thermodynamic stability) performed at Invitae indicates that this missense variant is expected to disrupt FAS protein function. This missense change has been observed in individual(s) with autoimmune lymphoproliferative syndrome (Invitae). This variant is not present in population databases (gnomAD no frequency). This sequence change replaces leucine, which is neutral and non-polar, with histidine, which is basic and polar, at codon 278 of the FAS protein (p.Leu278His).

Blueprint Genetics
Classification: Likely pathogenic for FAS-related disorders. Last evaluated: 2020-01-10. Review status: criteria provided, single submitter. Criteria: ACMG Guidelines, 2015. Collection method: clinical testing. Allele origin: germline. Affected: yes. Observed: 1 variant allele.

NM_000043.6(FAS):c.833T>A (p.Leu278His)

Gene: FAS (Fas cell surface death receptor; plus strand). Cytogenetic location: 10q23.31.
Variant type: single nucleotide variant.
Coding change: c.833T>A on transcript NM_000043.6 (MANE Select); coding-DNA position 833, T replaced by A.
Protein change: p.Leu278His; replaces leucine 278 with histidine.
Molecular consequence: missense variant. On other transcripts: 3 prime UTR variant (2), non-coding transcript variant (7).
Genome position (GRCh38, 1-based): chr10:89,014,275, T>A. VCF-style: chr10-89014275-T-A. GRCh37 (hg19) VCF-style: chr10-90774032-T-A.
Other names: c.*156T>A (NM_001320619.2); c.878T>A, p.Leu293His (NM_001410956.1); c.770T>A, p.Leu257His (NM_152871.4); c.*145T>A (NM_152872.4); short protein forms L278H, L293H, L257H.
Identifiers: ClinVar variation 2760464 (VCV002760464.13), dbSNP rs2495227180, ClinGen allele CA377509914.
Genomic context (GRCh38, chr10:89,014,275, plus strand): 5'-AAATAGATGAGATCAAGAATGACAATGTCCAAGACACAGCAGAACAGAAAGTTCAACTGC[T>A]TCGTAATTGGCATCAACTTCATGGAAAGAAAGAAGCGTATGACACATTGATTAAAGATCT-3'
Protein context (NP_000034.1, residues 268-288): QDTAEQKVQL[Leu278His]RNWHQLHGKK